The following is an entry in ClinVar:

ClinVar aggregate classification (germline): Uncertain significance. Review status: criteria provided, multiple submitters, no conflicts (2 of 4 stars). 2 submissions from 2 submitters: Uncertain significance (2). Last evaluated 2025-10-10.

Conditions:
Charcot-Marie-Tooth disease type 2. Also called: Charcot-Marie-Tooth type 2. Identifiers: Orphanet 64746, MedGen C0270914, MONDO:0018993.
Inborn genetic diseases. Identifiers: MedGen C0950123, MeSH D030342.

Allele frequency attached by ClinVar (database versions not stated): TOPMed 0.00003; gnomAD 0.00003.
gnomAD v4.1: 19 of 1,613,982 alleles (0.0012%); highest among the groups gnomAD compares: East Asian, 0.04%; no homozygotes.

Submissions (2):

Labcorp Genetics (formerly Invitae), Labcorp
Classification: Uncertain significance for Charcot-Marie-Tooth disease type 2. Last evaluated: 2025-10-10. Review status: criteria provided, single submitter. Criteria: Invitae Variant Classification Sherloc (09022015). Collection method: clinical testing. Allele origin: germline.
Comment: This sequence change replaces threonine, which is neutral and polar, with arginine, which is basic and polar, at codon 181 of the AARS protein (p.Thr181Arg). This variant is present in population databases (rs202099051, gnomAD 0.05%). This variant has not been reported in the literature in individuals affected with AARS-related conditions. ClinVar contains an entry for this variant (Variation ID: 543174). Invitae Evidence Modeling of protein sequence and biophysical properties (such as structural, functional, and spatial information, amino acid conservation, physicochemical variation, residue mobility, and thermodynamic stability) has been performed for this missense variant. However, the output from this modeling did not meet the statistical confidence thresholds required to predict the impact of this variant on AARS protein function. In summary, the available evidence is currently insufficient to determine the role of this variant in disease. Therefore, it has been classified as a Variant of Uncertain Significance.

Ambry Genetics
Classification: Uncertain significance for Inborn genetic diseases. Last evaluated: 2023-07-25. Review status: criteria provided, single submitter. Criteria: Ambry Variant Classification Scheme 2023. Collection method: clinical testing. Allele origin: germline.

NM_001605.3(AARS1):c.542C>G (p.Thr181Arg)

Gene: AARS1 (alanyl-tRNA synthetase 1; minus strand). Cytogenetic location: 16q22.1.
Variant type: single nucleotide variant.
Coding change: c.542C>G on transcript NM_001605.3 (MANE Select); coding-DNA position 542, C replaced by G.
Protein change: p.Thr181Arg; replaces threonine 181 with arginine.
Molecular consequence: missense variant.
Genome position (GRCh38, 1-based): chr16:70,271,910, G>C on the plus strand (C>G on the coding strand, the complement: AARS1 is on the minus strand). VCF-style: chr16-70271910-G-C. GRCh37 (hg19) VCF-style: chr16-70305813-G-C.
Other names: short protein forms T181R.
Identifiers: ClinVar variation 543174 (VCV000543174.10), dbSNP rs202099051, ClinGen allele CA8141108.